The following is an entry in ClinVar:

NM_000051.4(ATM):c.7002C>A (p.Tyr2334Ter)

Genes: ATM (ATM serine/threonine kinase; plus strand), C11orf65 (chromosome 11 open reading frame 65; minus strand). Cytogenetic location: 11q22.3.
Variant type: single nucleotide variant.
Coding change: c.7002C>A on transcript NM_000051.4 (MANE Select); coding-DNA position 7002, C replaced by A.
Protein change: p.Tyr2334Ter; replaces tyrosine 2334 with a stop codon.
Molecular consequence: nonsense. On other transcripts: intron variant (2).
Genome position (GRCh38, 1-based): chr11:108,327,671, C>A. VCF-style: chr11-108327671-C-A. GRCh37 (hg19) VCF-style: chr11-108198398-C-A.
Other names: c.7002C>A, p.Tyr2334Ter (NM_001351834.2); c.641-18600G>T (NM_001330368.2); c.*38+7549G>T (NM_001351110.2); short protein forms Y2334*.
Identifiers: ClinVar variation 3772883 (VCV003772883.1).

ClinVar aggregate classification (germline): Pathogenic (1 of 4 stars; one submission).

Conditions:
Familial cancer of breast. Also called: BREAST CANCER, FAMILIAL; Hereditary breast cancer; hereditary breast carcinoma. Identifiers: Orphanet 227535, MedGen C0346153, MONDO:0016419, OMIM 114480. Disease mechanism: loss of function.

Submission:

Myriad Genetics, Inc.
Classification: Pathogenic for Familial cancer of breast. Last evaluated: 2024-10-30. Review status: criteria provided, single submitter. Criteria: Myriad Autosomal Dominant, Autosomal Recessive and X-Linked Classification Criteria (2023). Collection method: clinical testing. Allele origin: unknown.
Comment: This variant is considered pathogenic. This variant creates a termination codon and is predicted to result in premature protein truncation.